The following is an entry in ClinVar:

NM_000363.5(TNNI3):c.373-15C>T

Gene: TNNI3 (troponin I3, cardiac type; minus strand). Cytogenetic location: 19q13.42.
Variant type: single nucleotide variant.
Coding change: c.373-15C>T on transcript NM_000363.5 (MANE Select); 15 bases into the intron before coding-DNA position 373, C replaced by T.
Molecular consequence: intron variant.
Genome position (GRCh38, 1-based): chr19:55,154,221, G>A on the plus strand (C>T on the coding strand, the complement: TNNI3 is on the minus strand). VCF-style: chr19-55154221-G-A. GRCh37 (hg19) VCF-style: chr19-55665589-G-A.
Other names: c.373-15C>T (LRG_432t1).
Identifiers: ClinVar variation 511911 (VCV000511911.2), dbSNP rs192630178, ClinGen allele CA633906551.

ClinVar aggregate classification (germline): Likely benign. Review status: criteria provided, multiple submitters, no conflicts (2 of 4 stars). 2 submissions from 2 submitters: Likely benign (2). Last evaluated 2025-06-02.

Conditions:
Hypertrophic cardiomyopathy. Also called: HYPERTROPHIC MYOCARDIOPATHY. Identifiers: Orphanet 217569, MedGen C0007194, MeSH D002312, MONDO:0005045, HP:0001639.

gnomAD v4.1: 8 of 1,609,660 alleles (0.0005%); highest among the groups gnomAD compares: Admixed American, 0.0017%; no homozygotes.

Submissions (2):

Labcorp Genetics (formerly Invitae), Labcorp
Classification: Likely benign for Hypertrophic cardiomyopathy. Last evaluated: 2025-06-02. Review status: criteria provided, single submitter. Criteria: Invitae Variant Classification Sherloc (09022015). Collection method: clinical testing. Allele origin: germline.

GeneDx
Classification: Likely benign. Last evaluated: 2017-09-06. Review status: criteria provided, single submitter. Criteria: GeneDx Variant Classification (06012015). Collection method: clinical testing. Allele origin: germline. Affected: yes.
Comment: This variant is considered likely benign or benign based on one or more of the following criteria: it is a conservative change, it occurs at a poorly conserved position in the protein, it is predicted to be benign by multiple in silico algorithms, and/or has population frequency not consistent with disease.